The following is an entry in ClinVar:

NM_023935.3(DDRGK1):c.368G>A (p.Arg123Gln)

Gene: DDRGK1 (DDRGK domain containing 1; minus strand). Cytogenetic location: 20p13.
Variant type: single nucleotide variant.
Coding change: c.368G>A on transcript NM_023935.3 (MANE Select); coding-DNA position 368, G replaced by A.
Protein change: p.Arg123Gln; replaces arginine 123 with glutamine.
Molecular consequence: missense variant.
Genome position (GRCh38, 1-based): chr20:3,200,382, C>T on the plus strand (G>A on the coding strand, the complement: DDRGK1 is on the minus strand). VCF-style: chr20-3200382-C-T. GRCh37 (hg19) VCF-style: chr20-3181028-C-T.
Other names: short protein forms R123Q.
Identifiers: ClinVar variation 1415379 (VCV001415379.4), dbSNP rs756848059, ClinGen allele CA9740960.
Genomic context (GRCh38, chr20:3,200,382, plus strand): 5'-ACCCCATCCCTCCGGCTTGCCTCACGCTGGGCCTTTCGCGCTTGTTTCTCCTCCAGCTTC[C>T]GCAGTTTCTTAGCTCCAATTTTCCCCGACAGGTGAGTTTCCGCTGGCTTCTCGACACCTT-3'
Protein context (NP_076424.1, residues 113-133): LSGKIGAKKL[Arg123Gln]KLEEKQARKA

ClinVar aggregate classification (germline): Uncertain significance (1 of 4 stars; one submission).

Allele frequency attached by ClinVar (database versions not stated): TOPMed 0.00003; gnomAD exomes 0.00006 and 0.00009; ExAC 0.00011.

Submission:

Labcorp Genetics (formerly Invitae), Labcorp
Classification: Uncertain significance. Last evaluated: 2024-01-19. Review status: criteria provided, single submitter. Criteria: Invitae Variant Classification Sherloc (09022015). Collection method: clinical testing. Allele origin: germline.
Comment: This sequence change replaces arginine, which is basic and polar, with glutamine, which is neutral and polar, at codon 123 of the DDRGK1 protein (p.Arg123Gln). This variant is present in population databases (rs756848059, gnomAD 0.04%). This variant has not been reported in the literature in individuals affected with DDRGK1-related conditions. ClinVar contains an entry for this variant (Variation ID: 1415379). An algorithm developed to predict the effect of missense changes on protein structure and function (PolyPhen-2) suggests that this variant is likely to be disruptive. In summary, the available evidence is currently insufficient to determine the role of this variant in disease. Therefore, it has been classified as a Variant of Uncertain Significance.